The following is an entry in ClinVar:

ClinVar aggregate classification (germline): Uncertain significance. Review status: criteria provided, multiple submitters, no conflicts (2 of 4 stars). 2 submissions from 2 submitters: Uncertain significance (2). Last evaluated 2025-11-21.

Conditions:
Cardiovascular phenotype. Identifiers: MedGen CN230736.

Allele frequency attached by ClinVar (database versions not stated): gnomAD exomes 0.00001.
gnomAD v4.1: 5 of 1,613,566 alleles (0.00031%); highest among the groups gnomAD compares: Non-Finnish European, 0.00042%; no homozygotes.

Submissions (2):

Ambry Genetics
Classification: Uncertain significance for Cardiovascular phenotype. Last evaluated: 2025-11-21. Review status: criteria provided, single submitter. Criteria: Ambry Variant Classification Scheme 2023. Collection method: clinical testing. Allele origin: germline.
Comment: The p.Q623* variant (also known as c.1867C>T), located in coding exon 12 of the NEXN gene, results from a C to T substitution at nucleotide position 1867. This changes the amino acid from a glutamine to a stop codon within coding exon 12. This alteration occurs at the 3' terminus of theNEXN gene, is not expected to trigger nonsense-mediated mRNAdecay, and only impacts the last 7% of the protein. The exact functional effect of this alteration is unknown. This alteration has been reported in an idiopathic ventricular tachycardia cohort; however, clinical details were limited and additional alterations in other cardiac-related genes were identified (Guelly C et al. PeerJ, 2021 Jan;9:e10711). Since supporting evidence is limited at this time, the clinical significance of this alteration remains unclear.

Clinical Genetics Laboratory, Skane University Hospital Lund
Classification: Uncertain significance. Last evaluated: 2022-05-27. Review status: criteria provided, single submitter. Criteria: ACMG Guidelines, 2015. Collection method: clinical testing. Allele origin: germline. Affected: yes.

Literature cited by the submitters: PubMed 33552729 (cited by Ambry Genetics).

NM_144573.4(NEXN):c.1867C>T (p.Gln623Ter)

Gene: NEXN (nexilin F-actin binding protein; plus strand). Cytogenetic location: 1p31.1.
Variant type: single nucleotide variant.
Coding change: c.1867C>T on transcript NM_144573.4 (MANE Select); coding-DNA position 1867, C replaced by T.
Protein change: p.Gln623Ter; replaces glutamine 623 with a stop codon.
Molecular consequence: nonsense.
Genome position (GRCh38, 1-based): chr1:77,942,668, C>T. VCF-style: chr1-77942668-C-T. GRCh37 (hg19) VCF-style: chr1-78408353-C-T.
Other names: c.1675C>T, p.Gln559Ter (NM_001172309.2); short protein forms Q623*, Q559*.
Identifiers: ClinVar variation 2450345 (VCV002450345.4), dbSNP rs1468478269, ClinGen allele CA340883070.